The following is an entry in ClinVar:

ClinVar aggregate classification (germline): Likely benign. Review status: criteria provided, multiple submitters, no conflicts (2 of 4 stars). 3 submissions from 3 submitters: Likely benign (2). 1 of the submissions does not count toward it. Last evaluated 2025-06-07.

Conditions:
ABCG5-related disorder. Also called: ABCG5-related condition.
Cardiovascular phenotype. Identifiers: MedGen CN230736.
Sitosterolemia (STSL). Also called: PHYTOSTEROLEMIA. Identifiers: Orphanet 2882, MedGen C0342907, MONDO:0008863.

Allele frequency attached by ClinVar (database versions not stated): ExAC 0.00001; gnomAD exomes 0.00001; gnomAD 0.00002; TOPMed 0.00002; ESP Exome Variant Server 0.00008.
gnomAD v4.1: 10 of 1,610,782 alleles (0.00062%); highest among the groups gnomAD compares: South Asian, 0.0055%; no homozygotes.

Submissions (3):

Labcorp Genetics (formerly Invitae), Labcorp
Classification: Likely benign for Sitosterolemia. Last evaluated: 2025-06-07. Review status: criteria provided, single submitter. Criteria: Invitae Variant Classification Sherloc (09022015). Collection method: clinical testing. Allele origin: germline.

Ambry Genetics
Classification: Likely benign for Cardiovascular phenotype. Last evaluated: 2020-08-30. Review status: criteria provided, single submitter. Criteria: Ambry Variant Classification Scheme 2023. Collection method: clinical testing. Allele origin: germline.

PreventionGenetics, part of Exact Sciences
Classification: Likely benign for ABCG5-related condition. Last evaluated: 2023-10-18. Review status: no assertion criteria provided. Collection method: clinical testing. Allele origin: germline. Not counted in ClinVar's aggregate classification.
Comment: This variant is classified as likely benign based on ACMG/AMP sequence variant interpretation guidelines (Richards et al. 2015 PMID: 25741868, with internal and published modifications).

NM_022436.3(ABCG5):c.93C>T (p.Thr31=)

Gene: ABCG5 (ATP binding cassette subfamily G member 5; minus strand). Cytogenetic location: 2p21.
Variant type: single nucleotide variant.
Coding change: c.93C>T on transcript NM_022436.3 (MANE Select); coding-DNA position 93, C replaced by T.
Protein change: p.Thr31=; no amino-acid change (threonine 31 retained).
Molecular consequence: synonymous variant.
Genome position (GRCh38, 1-based): chr2:43,838,587, G>A on the plus strand (C>T on the coding strand, the complement: ABCG5 is on the minus strand). VCF-style: chr2-43838587-G-A. GRCh37 (hg19) VCF-style: chr2-44065726-G-A.
Identifiers: ClinVar variation 1766823 (VCV001766823.5), dbSNP rs368621082, ClinGen allele CA1636805.